The following is an entry in ClinVar:

ClinVar aggregate classification (germline): Pathogenic (1 of 4 stars; one submission).

Conditions:
LAMA2-related muscular dystrophy (LAMA2-RD). Also called: Laminin alpha 2-related dystrophy. Identifiers: MedGen C5679788, MONDO:0100228.

Submission:

Labcorp Genetics (formerly Invitae), Labcorp
Classification: Pathogenic for LAMA2-related muscular dystrophy. Last evaluated: 2019-03-04. Review status: criteria provided, single submitter. Criteria: Invitae Variant Classification Sherloc (09022015). Collection method: clinical testing. Allele origin: germline.
Comment: This sequence change affects an acceptor splice site in intron 29 of the LAMA2 gene. It is expected to disrupt RNA splicing and likely results in an absent or disrupted protein product. This variant is not present in population databases (ExAC no frequency). For these reasons, this variant has been classified as Pathogenic. Donor and acceptor splice site variants typically lead to a loss of protein function (PMID: 16199547), and loss-of-function variants in LAMA2 are known to be pathogenic (PMID: 18700894). Algorithms developed to predict the effect of sequence changes on RNA splicing suggest that this variant may disrupt the consensus splice site, but this prediction has not been confirmed by published transcriptional studies. This variant has been observed to segregate with partial laminin alpha-2 deficiency in a family (PMID: 9829280).

Literature cited by the submitters: PubMed 16199547; PubMed 18700894; PubMed 9829280.

NM_000426.4(LAMA2):c.4312-1G>C

Gene: LAMA2 (laminin subunit alpha 2; plus strand). Cytogenetic location: 6q22.33.
Variant type: single nucleotide variant.
Coding change: c.4312-1G>C on transcript NM_000426.4 (MANE Select); the canonical splice acceptor site of the intron before coding-DNA position 4312, G replaced by C.
Molecular consequence: splice acceptor variant.
Genome position (GRCh38, 1-based): chr6:129,342,342, G>C. VCF-style: chr6-129342342-G-C. GRCh37 (hg19) VCF-style: chr6-129663487-G-C.
Other names: c.4312-1G>C (NM_001079823.2).
Identifiers: ClinVar variation 840856 (VCV000840856.10), dbSNP rs1776314873, ClinGen allele CA365615057.